The following is an entry in ClinVar:

ClinVar aggregate classification (germline): Uncertain significance. Review status: criteria provided, multiple submitters, no conflicts (2 of 4 stars). 2 submissions from 2 submitters: Uncertain significance (2). Last evaluated 2026-02-17.

Conditions:
Axenfeld-Rieger syndrome type 3 (RIEG3). Also called: AXENFELD-RIEGER ANOMALY WITH CARDIAC DEFECTS AND/OR SENSORINEURAL HEARING LOSS. Identifiers: Orphanet 782, MedGen C2678503, MONDO:0011233, OMIM 602482.
Inborn genetic diseases. Identifiers: MedGen C0950123, MeSH D030342.

Allele frequency attached by ClinVar (database versions not stated): gnomAD 0.00001; TOPMed 0.00002.

Submissions (2):

Ambry Genetics
Classification: Uncertain significance for Inborn genetic diseases. Last evaluated: 2026-02-17. Review status: criteria provided, single submitter. Criteria: Ambry Variant Classification Scheme 2023. Collection method: clinical testing. Allele origin: germline.

Labcorp Genetics (formerly Invitae), Labcorp
Classification: Uncertain significance for Axenfeld-Rieger syndrome type 3. Last evaluated: 2024-12-20. Review status: criteria provided, single submitter. Criteria: Invitae Variant Classification Sherloc (09022015). Collection method: clinical testing. Allele origin: germline.
Comment: This sequence change replaces glutamine, which is neutral and polar, with arginine, which is basic and polar, at codon 208 of the FOXC1 protein (p.Gln208Arg). This variant is not present in population databases (gnomAD no frequency). This variant has not been reported in the literature in individuals affected with FOXC1-related conditions. ClinVar contains an entry for this variant (Variation ID: 2083699). An algorithm developed to predict the effect of missense changes on protein structure and function (PolyPhen-2) suggests that this variant is likely to be tolerated. In summary, the available evidence is currently insufficient to determine the role of this variant in disease. Therefore, it has been classified as a Variant of Uncertain Significance.

NM_001453.3(FOXC1):c.623A>G (p.Gln208Arg)

Gene: FOXC1 (forkhead box C1; plus strand). Cytogenetic location: 6p25.3.
Variant type: single nucleotide variant.
Coding change: c.623A>G on transcript NM_001453.3 (MANE Select); coding-DNA position 623, A replaced by G.
Protein change: p.Gln208Arg; replaces glutamine 208 with arginine.
Molecular consequence: missense variant.
Genome position (GRCh38, 1-based): chr6:1,611,068, A>G. VCF-style: chr6-1611068-A-G. GRCh37 (hg19) VCF-style: chr6-1611303-A-G.
Other names: c.623A>G (NM_001453.2); short protein forms Q208R.
Identifiers: ClinVar variation 2083699 (VCV002083699.7), dbSNP rs778948646, ClinGen allele CA3614796.